The following is an entry in ClinVar:

ClinVar aggregate classification (germline): Uncertain significance (1 of 4 stars; one submission).

Allele frequency attached by ClinVar (database versions not stated): ExAC 0.00001; gnomAD 0.00001; TOPMed 0.00001; gnomAD exomes 0.00003.
gnomAD v4.1: 51 of 1,600,016 alleles (0.0032%); highest among the groups gnomAD compares: Non-Finnish European, 0.0037%; no homozygotes.

Submission:

Labcorp Genetics (formerly Invitae), Labcorp
Classification: Uncertain significance. Last evaluated: 2022-09-18. Review status: criteria provided, single submitter. Criteria: Invitae Variant Classification Sherloc (09022015). Collection method: clinical testing. Allele origin: germline.
Comment: In summary, the available evidence is currently insufficient to determine the role of this variant in disease. Therefore, it has been classified as a Variant of Uncertain Significance. Variants that disrupt the consensus splice site are a relatively common cause of aberrant splicing (PMID: 17576681, 9536098). Algorithms developed to predict the effect of sequence changes on RNA splicing suggest that this variant is not likely to affect RNA splicing. This variant has not been reported in the literature in individuals affected with TRMT5-related conditions. This variant is present in population databases (rs754396692, gnomAD 0.003%). This sequence change falls in intron 3 of the TRMT5 gene. It does not directly change the encoded amino acid sequence of the TRMT5 protein. It affects a nucleotide within the consensus splice site.

Literature cited by the submitters: PubMed 17576681; PubMed 9536098.

NM_020810.3(TRMT5):c.792+6T>C

Gene: TRMT5 (tRNA methyltransferase 5; minus strand). Cytogenetic location: 14q23.1.
Variant type: single nucleotide variant.
Coding change: c.792+6T>C on transcript NM_020810.3 (MANE Select); 6 bases into the intron after coding-DNA position 792, T replaced by C.
Molecular consequence: intron variant.
Genome position (GRCh38, 1-based): chr14:60,977,508, A>G on the plus strand (T>C on the coding strand, the complement: TRMT5 is on the minus strand). VCF-style: chr14-60977508-A-G. GRCh37 (hg19) VCF-style: chr14-61444226-A-G.
Other names: c.876+6T>C (NM_001350253.1); c.873+6T>C (NM_001350254.1).
Identifiers: ClinVar variation 1899227 (VCV001899227.5), dbSNP rs754396692, ClinGen allele CA7213837.